The following is an entry in ClinVar:

NM_001111020.3(SUPT5H):c.1044G>A (p.Leu348=)

Gene: SUPT5H (SPT5 homolog, DSIF elongation factor subunit; plus strand). Cytogenetic location: 19q13.2.
Variant type: single nucleotide variant.
Coding change: c.1044G>A on transcript NM_001111020.3 (MANE Select); coding-DNA position 1044, G replaced by A.
Protein change: p.Leu348=; no amino-acid change (leucine 348 retained).
Molecular consequence: synonymous variant.
Genome position (GRCh38, 1-based): chr19:39,468,762, G>A. VCF-style: chr19-39468762-G-A. GRCh37 (hg19) VCF-style: chr19-39959402-G-A.
Other names: NC_000019.9:g.39959402G>A; c.1044G>A, p.Leu348= (NM_001130824.2, NM_001319990.2, NM_003169.4); c.1032G>A, p.Leu344= (NM_001130825.2, NM_001319991.2).
Identifiers: ClinVar variation 2649836 (VCV002649836.25), dbSNP rs140361350, ClinGen allele CA9430870.

ClinVar aggregate classification (germline): Likely benign (1 of 4 stars; one submission).

Allele frequency attached by ClinVar (database versions not stated): 1000 Genomes Project 30x 0.00156; 1000 Genomes Project 0.00200; TOPMed 0.00223; ESP Exome Variant Server 0.00246; gnomAD exomes 0.00340; gnomAD 0.00432; ExAC 0.00536.
gnomAD v4.1: 5,590 of 1,613,498 alleles (0.35%); highest among the groups gnomAD compares: Non-Finnish European, 0.32%; 55 homozygotes.

Submissions (4):

CeGaT Center for Human Genetics Tuebingen
Classification: Likely benign. Last evaluated: 2023-02-01. Review status: criteria provided, single submitter. Criteria: CeGaT Center For Human Genetics Tuebingen Variant Classification Criteria Version 2. Collection method: clinical testing. Allele origin: germline. Affected: yes. Observed: 1 variant allele.
Comment: SUPT5H: BP4, BP7, BS2

Dr. Peter K. Rogan Lab, Western University
No classification provided (evidence only). Condition: Malignant tumor of urinary bladder. Review status: no classification provided. Collection method: in vitro. Allele origin: not applicable. Functional consequence: retained intron. Not counted in ClinVar's aggregate classification.

Dr. Peter K. Rogan Lab, Western University
No classification provided (evidence only). Condition: Malignant tumor of urinary bladder. Review status: no classification provided. Collection method: in vitro. Allele origin: not applicable. Functional consequence: retained intron. Not counted in ClinVar's aggregate classification.

Dr. Peter K. Rogan Lab, Western University
No classification provided (evidence only). Condition: Malignant tumor of urinary bladder. Review status: no classification provided. Collection method: in vitro. Allele origin: not applicable. Functional consequence: retained intron. Not counted in ClinVar's aggregate classification.